The following is an entry in ClinVar:

NM_022370.4(ROBO3):c.955G>A (p.Glu319Lys)

Gene: ROBO3 (roundabout guidance receptor 3; plus strand). Cytogenetic location: 11q24.2.
Variant type: single nucleotide variant.
Coding change: c.955G>A on transcript NM_022370.4 (MANE Select); coding-DNA position 955, G replaced by A.
Protein change: p.Glu319Lys; replaces glutamic acid 319 with lysine.
Molecular consequence: missense variant.
Genome position (GRCh38, 1-based): chr11:124,870,650, G>A. VCF-style: chr11-124870650-G-A. GRCh37 (hg19) VCF-style: chr11-124740546-G-A.
Other names: short protein forms E319K.
Identifiers: ClinVar variation 2177 (VCV000002177.3), dbSNP rs121918274, ClinGen allele CA115388.

ClinVar aggregate classification (germline): Likely pathogenic. Review status: criteria provided, single submitter (1 of 4 stars). 2 submissions from 2 submitters: Likely pathogenic (1). 1 of the submissions does not count toward it. Last evaluated 2021-01-09.

Conditions:
Gaze palsy, familial horizontal, with progressive scoliosis 1 (HGPPS1). Identifiers: Orphanet 2744, MedGen C4551964, MONDO:0020790, OMIM 607313.

Allele frequency attached by ClinVar (database versions not stated): gnomAD exomes below 0.00001; gnomAD 0.00003.

Submissions (2):

Institute of Human Genetics, University of Leipzig Medical Center
Classification: Likely pathogenic for Gaze palsy, familial horizontal, with progressive scoliosis 1. Last evaluated: 2021-01-09. Review status: criteria provided, single submitter. Criteria: ACMG Guidelines, 2015. Collection method: curation. Allele origin: germline. Inheritance: Autosomal recessive inheritance. Affected: yes.
Comment: This ROBO3 variant was reported as Pathogenicâ€‹ in PMID: 15105459; PMID: 16772357 with original nomenclature reported as 955G>A, E319K. Variant was re-classified as Likely Pathogenic based on the criteria PM2_Supporting, PM3_Strong, PP4_Supporting.

OMIM
Classification: Pathogenic for GAZE PALSY, FAMILIAL HORIZONTAL, WITH PROGRESSIVE SCOLIOSIS 1. Last evaluated: 2004-06-04. Review status: no assertion criteria provided. Collection method: literature only. Allele origin: germline. Not counted in ClinVar's aggregate classification.

Literature cited by the submitters: PubMed 15105459 (cited by Institute of Human Genetics, University of Leipzig Medical Center and OMIM); PubMed 16772357 (cited by Institute of Human Genetics, University of Leipzig Medical Center).